The following is an entry in ClinVar:

ClinVar aggregate classification (germline): Uncertain significance (1 of 4 stars; one submission).

gnomAD v4.1: 48 of 1,612,332 alleles (0.003%); highest among the groups gnomAD compares: Non-Finnish European, 0.004%; no homozygotes.

Submission:

Labcorp Genetics (formerly Invitae), Labcorp
Classification: Uncertain significance. Last evaluated: 2024-04-14. Review status: criteria provided, single submitter. Criteria: Invitae Variant Classification Sherloc (09022015). Collection method: clinical testing. Allele origin: germline.
Comment: This sequence change replaces glycine, which is neutral and non-polar, with arginine, which is basic and polar, at codon 708 of the ACAN protein (p.Gly708Arg). This variant is present in population databases (rs35120858, gnomAD 0.003%). This variant has not been reported in the literature in individuals affected with ACAN-related conditions. Advanced modeling of protein sequence and biophysical properties (such as structural, functional, and spatial information, amino acid conservation, physicochemical variation, residue mobility, and thermodynamic stability) performed at Invitae indicates that this missense variant is not expected to disrupt ACAN protein function with a negative predictive value of 80%. In summary, the available evidence is currently insufficient to determine the role of this variant in disease. Therefore, it has been classified as a Variant of Uncertain Significance.

NM_001369268.1(ACAN):c.2122G>C (p.Gly708Arg)

Gene: ACAN (aggrecan; plus strand). Cytogenetic location: 15q26.1.
Variant type: single nucleotide variant.
Coding change: c.2122G>C on transcript NM_001369268.1 (MANE Select); coding-DNA position 2122, G replaced by C.
Protein change: p.Gly708Arg; replaces glycine 708 with arginine.
Molecular consequence: missense variant.
Genome position (GRCh38, 1-based): chr15:88,851,889, G>C. VCF-style: chr15-88851889-G-C. GRCh37 (hg19) VCF-style: chr15-89395120-G-C.
Other names: c.2122G>C, p.Gly708Arg (NM_001135.4, NM_001411096.1, NM_001411097.1 and 1 more transcripts); short protein forms G708R.
Identifiers: ClinVar variation 3716330 (VCV003716330.2).
Genomic context (GRCh38, chr15:88,851,889, plus strand): 5'-GGTGGCACACCCACATCACCCTCTGGTGTGGAGGAGTGGATCGTGACCCAAGTGGTTCCT[G>C]GTGTGGCTGCTGTCCCCGTAGAAGAGGAGACAACTGCTGTACCCTCAGGGGAGACTACTG-3'
Protein context (NP_001356197.1, residues 698-718): EEWIVTQVVP[Gly708Arg]VAAVPVEEET